The following is an entry in ClinVar:

NM_000070.3(CAPN3):c.1945G>A (p.Glu649Lys)

Gene: CAPN3 (calpain 3; plus strand). Cytogenetic location: 15q15.1.
Variant type: single nucleotide variant.
Coding change: c.1945G>A on transcript NM_000070.3 (MANE Select); coding-DNA position 1945, G replaced by A.
Protein change: p.Glu649Lys; replaces glutamic acid 649 with lysine.
Molecular consequence: missense variant. On other transcripts: 5 prime UTR variant (2).
Genome position (GRCh38, 1-based): chr15:42,409,333, G>A. VCF-style: chr15-42409333-G-A. GRCh37 (hg19) VCF-style: chr15-42701531-G-A.
Other names: c.1927G>A, p.Glu643Lys (NM_024344.2); c.1669G>A, p.Glu557Lys (NM_173087.2); c.409G>A, p.Glu137Lys (NM_173088.2); c.-51G>A (NM_173089.2, NM_173090.2); c.*1043G>A (NM_212464.2); c.*1620G>A (NM_212467.2); short protein forms E643K, E137K, E557K, E649K.
Identifiers: ClinVar variation 2800023 (VCV002800023.3), dbSNP rs747945886, ClinGen allele CA7511622.
Genomic context (GRCh38, chr15:42,409,333, plus strand): 5'-GTGAACCAGTTTTCCTTTGTGCCTCCACAGCCACAGCCTGGCAGCTCTGATCAGGAAAGT[G>A]AGGAACAGCAACAATTCCGGAACATTTTCAAGCAGATAGCAGGAGATGTGAGTACCTCCA-3'
Protein context (NP_000061.1, residues 639-659): PQPGSSDQES[Glu649Lys]EQQQFRNIFK

ClinVar aggregate classification (germline): Uncertain significance (1 of 4 stars; one submission).

Conditions:
Autosomal recessive limb-girdle muscular dystrophy type 2A (LGMDR1). Also called: Muscular dystrophy, limb-girdle, type 2A, Amish; Limb-girdle muscular dystrophy, type 2A; Calpainopathy; LEYDEN-MOEBIUS MUSCULAR DYSTROPHY; MUSCULAR DYSTROPHY, PELVOFEMORAL. Identifiers: Orphanet 267, MedGen C1869123, MONDO:0009675, OMIM 253600. Disease mechanism: loss of function.

Allele frequency attached by ClinVar (database versions not stated): gnomAD exomes below 0.00001; ExAC 0.00001.
gnomAD v4.1: 2 of 1,614,222 alleles (0.00012%); highest among the groups gnomAD compares: African/African-American, 0.0013%; no homozygotes.

Submission:

Labcorp Genetics (formerly Invitae), Labcorp
Classification: Uncertain significance for Autosomal recessive limb-girdle muscular dystrophy type 2A. Last evaluated: 2023-03-16. Review status: criteria provided, single submitter. Criteria: Invitae Variant Classification Sherloc (09022015). Collection method: clinical testing. Allele origin: germline.
Comment: In summary, the available evidence is currently insufficient to determine the role of this variant in disease. Therefore, it has been classified as a Variant of Uncertain Significance. Advanced modeling of protein sequence and biophysical properties (such as structural, functional, and spatial information, amino acid conservation, physicochemical variation, residue mobility, and thermodynamic stability) performed at Invitae indicates that this missense variant is not expected to disrupt CAPN3 protein function. This variant has not been reported in the literature in individuals affected with CAPN3-related conditions. This variant is present in population databases (rs747945886, gnomAD 0.006%). This sequence change replaces glutamic acid, which is acidic and polar, with lysine, which is basic and polar, at codon 649 of the CAPN3 protein (p.Glu649Lys).